The following is an entry in ClinVar:

ClinVar aggregate classification (germline): Uncertain significance (1 of 4 stars; one submission).

Conditions:
RASopathy. Also called: Noonan spectrum disorder; rasopathies. Identifiers: Orphanet 536391, MedGen C5555857, MONDO:0021060.

Submission:

Labcorp Genetics (formerly Invitae), Labcorp
Classification: Uncertain significance for RASopathy. Last evaluated: 2025-01-07. Review status: criteria provided, single submitter. Criteria: Invitae Variant Classification Sherloc (09022015). Collection method: clinical testing. Allele origin: germline.
Comment: This sequence change replaces alanine, which is neutral and non-polar, with threonine, which is neutral and polar, at codon 29 of the BRAF protein (p.Ala29Thr). This variant is not present in population databases (gnomAD no frequency). This variant has not been reported in the literature in individuals affected with BRAF-related conditions. Invitae Evidence Modeling of protein sequence and biophysical properties (such as structural, functional, and spatial information, amino acid conservation, physicochemical variation, residue mobility, and thermodynamic stability) indicates that this missense variant is not expected to disrupt BRAF protein function with a negative predictive value of 95%. In summary, the available evidence is currently insufficient to determine the role of this variant in disease. Therefore, it has been classified as a Variant of Uncertain Significance.

NM_004333.6(BRAF):c.85G>A (p.Ala29Thr)

Gene: BRAF (B-Raf proto-oncogene, serine/threonine kinase; minus strand). Cytogenetic location: 7q34.
Variant type: single nucleotide variant.
Coding change: c.85G>A on transcript NM_004333.6 (MANE Select); coding-DNA position 85, G replaced by A.
Protein change: p.Ala29Thr; replaces alanine 29 with threonine.
Molecular consequence: missense variant.
Genome position (GRCh38, 1-based): chr7:140,924,619, C>T on the plus strand (G>A on the coding strand, the complement: BRAF is on the minus strand). VCF-style: chr7-140924619-C-T. GRCh37 (hg19) VCF-style: chr7-140624419-C-T.
Other names: c.85G>A, p.Ala29Thr (NM_001354609.2, NM_001374244.1, NM_001374258.1 and 7 more transcripts); short protein forms A29T.
Identifiers: ClinVar variation 3636774 (VCV003636774.2).